The following is an entry in ClinVar:

ClinVar aggregate classification (germline): Likely pathogenic (1 of 4 stars; one submission).

Conditions:
Werner syndrome (WRN). Identifiers: Orphanet 902, MedGen C0043119, MONDO:0010196, OMIM 277700.

Submission:

Labcorp Genetics (formerly Invitae), Labcorp
Classification: Likely pathogenic for Werner syndrome. Last evaluated: 2026-01-13. Review status: criteria provided, single submitter. Criteria: Invitae Variant Classification Sherloc (09022015). Collection method: clinical testing. Allele origin: germline.
Comment: This sequence change affects an acceptor splice site in intron 21 of the WRN gene. It is expected to disrupt RNA splicing. Variants that disrupt the donor or acceptor splice site typically lead to a loss of protein function (PMID: 16199547), and loss-of-function variants in WRN are known to be pathogenic (PMID: 16673358). This variant is not present in population databases (gnomAD no frequency). This variant has not been reported in the literature in individuals affected with WRN-related conditions. Algorithms developed to predict the effect of sequence changes on RNA splicing suggest that this variant may disrupt the consensus splice site. In summary, the currently available evidence indicates that the variant is pathogenic, but additional data are needed to prove that conclusively. Therefore, this variant has been classified as Likely Pathogenic.

Literature cited by the submitters: PubMed 16199547; PubMed 16673358.

NM_000553.6(WRN):c.2631-2A>G

Gene: WRN (WRN RecQ like helicase; plus strand). Cytogenetic location: 8p12.
Variant type: single nucleotide variant.
Coding change: c.2631-2A>G on transcript NM_000553.6 (MANE Select); the canonical splice acceptor site of the intron before coding-DNA position 2631, A replaced by G.
Molecular consequence: splice acceptor variant.
Genome position (GRCh38, 1-based): chr8:31,124,520, A>G. VCF-style: chr8-31124520-A-G. GRCh37 (hg19) VCF-style: chr8-30982036-A-G.
Identifiers: ClinVar variation 4812131 (VCV004812131.1).